The following is an entry in ClinVar:

ClinVar aggregate classification (germline): Uncertain significance. Review status: criteria provided, single submitter (1 of 4 stars). 2 submissions from 2 submitters: Uncertain significance (1). 1 of the submissions does not count toward it. Last evaluated 2022-08-21.

Conditions:
Pyruvate dehydrogenase E3 deficiency (DLDD). Also called: DLD DEFICIENCY; E3 DEFICIENCY; Dihydrolipoamide Dehydrogenase E3 Deficiency; Dihydrolipoamide Dehydrogenase Deficiency; Lipoamide dehydrogenase deficiency, lactic acidosis due to; Lipoamide dehydrogenase deficiency. Identifiers: Orphanet 2394, Orphanet 765, MedGen C5574660, MONDO:0009529, OMIM 246900.

Allele frequency attached by ClinVar (database versions not stated): gnomAD exomes below 0.00001.

Submissions (2):

Labcorp Genetics (formerly Invitae), Labcorp
Classification: Uncertain significance for Pyruvate dehydrogenase E3 deficiency. Last evaluated: 2022-08-21. Review status: criteria provided, single submitter. Criteria: Invitae Variant Classification Sherloc (09022015). Collection method: clinical testing. Allele origin: germline.
Comment: This sequence change replaces methionine, which is neutral and non-polar, with valine, which is neutral and non-polar, at codon 123 of the DLD protein (p.Met123Val). This variant is not present in population databases (gnomAD no frequency). This variant has not been reported in the literature in individuals affected with DLD-related conditions. ClinVar contains an entry for this variant (Variation ID: 649784). Algorithms developed to predict the effect of missense changes on protein structure and function are either unavailable or do not agree on the potential impact of this missense change (SIFT: "Deleterious"; PolyPhen-2: "Benign"; Align-GVGD: "Class C0"). Algorithms developed to predict the effect of sequence changes on RNA splicing suggest that this variant may create or strengthen a splice site. In summary, the available evidence is currently insufficient to determine the role of this variant in disease. Therefore, it has been classified as a Variant of Uncertain Significance.

Natera, Inc.
Classification: Uncertain significance for Maple syrup urine disease type 3. Last evaluated: 2020-04-16. Review status: no assertion criteria provided. Collection method: clinical testing. Allele origin: germline. Not counted in ClinVar's aggregate classification.

NM_000108.5(DLD):c.367A>G (p.Met123Val)

Gene: DLD (dihydrolipoamide dehydrogenase; plus strand). Cytogenetic location: 7q31.1.
Variant type: single nucleotide variant.
Coding change: c.367A>G on transcript NM_000108.5 (MANE Select); coding-DNA position 367, A replaced by G.
Protein change: p.Met123Val; replaces methionine 123 with valine.
Molecular consequence: missense variant.
Genome position (GRCh38, 1-based): chr7:107,904,987, A>G. VCF-style: chr7-107904987-A-G. GRCh37 (hg19) VCF-style: chr7-107545432-A-G.
Other names: c.70A>G, p.Met24Val (NM_001289750.1); c.298A>G, p.Met100Val (NM_001289751.1); c.367A>G, p.Met123Val (NM_001289752.1); short protein forms M123V, M100V, M24V.
Identifiers: ClinVar variation 649784 (VCV000649784.4), dbSNP rs111352707, ClinGen allele CA368855241.